The following is an entry in ClinVar:

ClinVar aggregate classification (germline): Uncertain significance (1 of 4 stars; one submission).

Conditions:
Early-infantile DEE. Also called: Ohtahara syndrome; Early infantile epileptic encephalopathy with suppression bursts; Early infantile epileptic encephalopathy. Identifiers: Orphanet 1934, MedGen C0393706, MONDO:0800491.

Submission:

Labcorp Genetics (formerly Invitae), Labcorp
Classification: Uncertain significance for Early-infantile DEE. Last evaluated: 2025-02-12. Review status: criteria provided, single submitter. Criteria: Invitae Variant Classification Sherloc (09022015). Collection method: clinical testing. Allele origin: germline.
Comment: This sequence change falls in intron 20 of the SCN1A gene. It does not directly change the encoded amino acid sequence of the SCN1A protein. However, this sequence change falls within a region encompassing a cryptic exon in the SCN1A gene, in which variants have been shown to alter splicing (PMID: 30526861, 34107977). This variant is not present in population databases (gnomAD no frequency). This variant has not been reported in the literature in individuals affected with SCN1A-related conditions. Algorithms developed to predict the effect of sequence changes on RNA splicing suggest that this variant is not likely to affect RNA splicing. In summary, the available evidence is currently insufficient to determine the role of this variant in disease. Therefore, it has been classified as a Variant of Uncertain Significance.

Literature cited by the submitters: PubMed 30526861; PubMed 34107977.

NM_001165963.4(SCN1A):c.4002+2184T>A

Genes: SCN1A (sodium voltage-gated channel alpha subunit 1; minus strand), LOC102724058 (uncharacterized LOC102724058; plus strand). Cytogenetic location: 2q24.3.
Variant type: single nucleotide variant.
Coding change: c.4002+2184T>A on transcript NM_001165963.4 (MANE Select); 2184 bases into the intron after coding-DNA position 4002, T replaced by A.
Molecular consequence: intron variant.
Genome position (GRCh38, 1-based): chr2:166,007,535, A>T on the plus strand (T>A on the coding strand, the complement: SCN1A is on the minus strand). VCF-style: chr2-166007535-A-T. GRCh37 (hg19) VCF-style: chr2-166864045-A-T.
Other names: c.3969+2184T>A (NM_006920.6, NM_001353949.2, NM_001353950.2 and 2 more transcripts); c.3918+2184T>A (NM_001353958.2, NM_001353957.2, NM_001165964.3); c.4002+2184T>A (NM_001202435.3, NM_001353948.2); c.3966+2184T>A (NM_001353955.2, NM_001353954.2); c.3915+2184T>A (NM_001353960.2); c.1560+2184T>A (NM_001353961.2).
Identifiers: ClinVar variation 4769690 (VCV004769690.1).